The following is an entry in ClinVar:

NM_000257.4(MYH7):c.1103A>C (p.Gln368Pro)

Gene: MYH7 (myosin heavy chain 7; minus strand). Cytogenetic location: 14q11.2.
Variant type: single nucleotide variant.
Coding change: c.1103A>C on transcript NM_000257.4 (MANE Select); coding-DNA position 1103, A replaced by C.
Protein change: p.Gln368Pro; replaces glutamine 368 with proline.
Molecular consequence: missense variant.
Genome position (GRCh38, 1-based): chr14:23,429,810, T>G on the plus strand (A>C on the coding strand, the complement: MYH7 is on the minus strand). VCF-style: chr14-23429810-T-G. GRCh37 (hg19) VCF-style: chr14-23899019-T-G.
Other names: short protein forms Q368P.
Identifiers: ClinVar variation 1464917 (VCV001464917.8), dbSNP rs1001944415, ClinGen allele CA257824921.
Genomic context (GRCh38, chr14:23,429,810, plus strand): 5'-GCCCCCAAGAATCCCTGCCTCCCACCTTCAGTGCCGTCTGGCTCCGCCTGCTCCTCCCGC[T>G]GCTTCAGCTTGAACTTCATGTTTCCAAAGTGCATGATGGCGCCTGTCAGCTTATACATGG-3'
Protein context (NP_000248.2, residues 358-378): HFGNMKFKLK[Gln368Pro]REEQAEPDGT

ClinVar aggregate classification (germline): Uncertain significance (1 of 4 stars; one submission).

Conditions:
Hypertrophic cardiomyopathy. Also called: HYPERTROPHIC MYOCARDIOPATHY. Identifiers: Orphanet 217569, MedGen C0007194, MeSH D002312, MONDO:0005045, HP:0001639.

Allele frequency attached by ClinVar (database versions not stated): gnomAD 0.00001; TOPMed 0.00001.
gnomAD v4.1: 1 of 1,613,340 alleles (0.000062%); highest among the groups gnomAD compares: African/African-American, 0.0013%; no homozygotes.

Submission:

Labcorp Genetics (formerly Invitae), Labcorp
Classification: Uncertain significance for Hypertrophic cardiomyopathy. Last evaluated: 2021-08-26. Review status: criteria provided, single submitter. Criteria: Invitae Variant Classification Sherloc (09022015). Collection method: clinical testing. Allele origin: germline.
Comment: This variant has not been reported in the literature in individuals affected with MYH7-related conditions. In summary, the available evidence is currently insufficient to determine the role of this variant in disease. Therefore, it has been classified as a Variant of Uncertain Significance. This variant is found within a region of MYH7 between codons 181 and 937 that contains the majority of the myosin head domain. Missense variants in this region have been shown to be significantly overrepresented in individuals with hypertrophic cardiomyopathy (PMID: 27532257). Algorithms developed to predict the effect of missense changes on protein structure and function output the following: SIFT: "Deleterious"; PolyPhen-2: "Benign"; Align-GVGD: "Class C0". The proline amino acid residue is found in multiple mammalian species, which suggests that this missense change does not adversely affect protein function. This variant is not present in population databases (ExAC no frequency). This sequence change replaces glutamine with proline at codon 368 of the MYH7 protein (p.Gln368Pro). The glutamine residue is highly conserved and there is a moderate physicochemical difference between glutamine and proline.

Literature cited by the submitters: PubMed 27532257.